The following is an entry in ClinVar:

ClinVar aggregate classification (germline): Uncertain significance (1 of 4 stars; one submission).

Conditions:
Anophthalmia/microphthalmia-esophageal atresia syndrome (MCOPS3). Also called: SOX2 Disorder; MICROPHTHALMIA AND ESOPHAGEAL ATRESIA SYNDROME; AEG SYNDROME. Identifiers: Orphanet 77298, MedGen C1859773, MONDO:0008799, OMIM 206900.

Allele frequency attached by ClinVar (database versions not stated): gnomAD exomes below 0.00001.
gnomAD v4.1: 1 of 1,612,934 alleles (0.000062%); highest among the groups gnomAD compares: Non-Finnish European, 0.000085%; no homozygotes.

Submission:

Labcorp Genetics (formerly Invitae), Labcorp
Classification: Uncertain significance for Anophthalmia/microphthalmia-esophageal atresia syndrome. Last evaluated: 2023-03-21. Review status: criteria provided, single submitter. Criteria: Invitae Variant Classification Sherloc (09022015). Collection method: clinical testing. Allele origin: germline.
Comment: In summary, the available evidence is currently insufficient to determine the role of this variant in disease. Therefore, it has been classified as a Variant of Uncertain Significance. An algorithm developed to predict the effect of missense changes on protein structure and function (PolyPhen-2) suggests that this variant is likely to be tolerated. This variant has not been reported in the literature in individuals affected with SOX2-related conditions. This variant is not present in population databases (gnomAD no frequency). This sequence change replaces alanine, which is neutral and non-polar, with glycine, which is neutral and non-polar, at codon 281 of the SOX2 protein (p.Ala281Gly).

NM_003106.4(SOX2):c.842C>G (p.Ala281Gly)

Genes: SOX2-OT (SOX2 overlapping transcript; plus strand), SOX2 (SRY-box transcription factor 2; plus strand). Cytogenetic location: 3q26.33.
Variant type: single nucleotide variant.
Coding change: c.842C>G on transcript NM_003106.4 (MANE Select); coding-DNA position 842, C replaced by G.
Protein change: p.Ala281Gly; replaces alanine 281 with glycine.
Molecular consequence: missense variant.
Genome position (GRCh38, 1-based): chr3:181,713,202, C>G. VCF-style: chr3-181713202-C-G. GRCh37 (hg19) VCF-style: chr3-181430990-C-G.
Other names: short protein forms A281G.
Identifiers: ClinVar variation 2814306 (VCV002814306.3), dbSNP rs2473720325, ClinGen allele CA355474776.